The following is an entry in ClinVar:

ClinVar aggregate classification (germline): Uncertain significance (1 of 4 stars; one submission).

Allele frequency attached by ClinVar (database versions not stated): gnomAD exomes 0.00001.
gnomAD v4.1: 8 of 1,614,158 alleles (0.0005%); highest among the groups gnomAD compares: Non-Finnish European, 0.00068%; no homozygotes.

Submission:

Ambry Genetics
Classification: Uncertain significance. Last evaluated: 2022-12-23. Review status: criteria provided, single submitter. Criteria: Ambry Variant Classification Scheme 2023. Collection method: clinical testing. Allele origin: germline.
Comment: The p.P406S variant (also known as c.1216C>T), located in coding exon 5 of the EGLN2 gene, results from a C to T substitution at nucleotide position 1216. The proline at codon 406 is replaced by serine, an amino acid with similar properties. This amino acid position is conserved. In addition, the in silico prediction for this alteration is inconclusive. Since supporting evidence is limited at this time, the clinical significance of this alteration remains unclear.

NM_080732.4(EGLN2):c.1216C>T (p.Pro406Ser)

Genes: EGLN2 (egl-9 family hypoxia inducible factor 2; plus strand), RAB4B-EGLN2 (RAB4B-EGLN2 readthrough (NMD candidate); plus strand). Cytogenetic location: 19q13.2.
Variant type: single nucleotide variant.
Coding change: c.1216C>T on transcript NM_080732.4 (MANE Select); coding-DNA position 1216, C replaced by T.
Protein change: p.Pro406Ser; replaces proline 406 with serine.
Molecular consequence: missense variant. On other transcripts: non-coding transcript variant (1).
Genome position (GRCh38, 1-based): chr19:40,807,856, C>T. VCF-style: chr19-40807856-C-T. GRCh37 (hg19) VCF-style: chr19-41313761-C-T.
Other names: c.1216C>T, p.Pro406Ser (NM_053046.4); short protein forms P406S.
Identifiers: ClinVar variation 2497297 (VCV002497297.2), dbSNP rs2516010794, ClinGen allele CA405956955.